The following is an entry in ClinVar:

NM_001754.5(RUNX1):c.384T>C (p.Thr128=)

Genes: RUNX1 (RUNX family transcription factor 1; minus strand), RUNX1-AS1 (RUNX1 antisense RNA 1; plus strand). Cytogenetic location: 21q22.12.
Variant type: single nucleotide variant.
Coding change: c.384T>C on transcript NM_001754.5 (MANE Select); coding-DNA position 384, T replaced by C.
Protein change: p.Thr128=; no amino-acid change (threonine 128 retained).
Molecular consequence: synonymous variant.
Genome position (GRCh38, 1-based): chr21:34,880,681, A>G on the plus strand (T>C on the coding strand, the complement: RUNX1 is on the minus strand). VCF-style: chr21-34880681-A-G. GRCh37 (hg19) VCF-style: chr21-36252978-A-G.
Other names: NM_001754.5(RUNX1):c.384T>C; p.Thr128=; c.303T>C, p.Thr101= (NM_001001890.3, NM_001122607.2).
Identifiers: ClinVar variation 1667672 (VCV001667672.9), dbSNP rs2146363318, ClinGen allele CA512318767.

ClinVar aggregate classification (germline): Likely benign. Review status: reviewed by expert panel (3 of 4 stars). 2 submissions from 2 submitters: Likely benign (1). 1 of the submissions does not count toward it. Last evaluated 2024-09-10.

Conditions:
Hereditary thrombocytopenia and hematologic cancer predisposition syndrome. Identifiers: Orphanet 71290, MedGen CN281654, MONDO:0011071.
Hereditary thrombocytopenia and hematological cancer predisposition syndrome associated with RUNX1. Also called: PLATELET DISORDER, ASPIRIN-LIKE; RUNX1 Familial Platelet Disorder with Associated Myeloid Malignancies; Familial Platelet Disorder with Propensity to Acute Myelogenous Leukemia; Familial thrombocytopenia with propensity to acute myelogenous leukemia. Identifiers: Orphanet 71290, MedGen C1832388, MeSH C563324, MONDO:0100083, OMIM 601399.

Submissions (2):

ClinGen Myeloid Malignancy Variant Curation Expert Panel
Classification: Likely benign for Hereditary thrombocytopenia and hematologic cancer predisposition syndrome. Last evaluated: 2024-09-10. Review status: reviewed by expert panel. Criteria: ClinGen MyeloMalig ACMG Specifications v2. Collection method: curation. Allele origin: germline. Inheritance: Autosomal dominant inheritance.
Comment: NM_001754.5(RUNX1):c.384T>C (p.Thr128=) is a synonymous variant which has a SpliceAI score ≤ 0.20 (0.01) (BP4). This variant has a SpliceAI score ≤ 0.20 (0.01) and evolutionary conservation algorithms predict the site as not being conserved (PhyloP score ≤ 2.0 (-0.77)) (BP7). This variant is completely absent from all population databases with at least 20x coverage for RUNX1 (PM2_Supporting). In summary, this variant meets criteria to be classified as likely benign. ACMG/AMP criteria applied, as specified by the Myeloid Malignancy Variant Curation Expert Panel for RUNX1: BP4, BP7, PM2_supporting.

Labcorp Genetics (formerly Invitae), Labcorp
Classification: Likely benign for Hereditary thrombocytopenia and hematological cancer predisposition syndrome associated with RUNX1. Last evaluated: 2022-10-10. Review status: criteria provided, single submitter. Criteria: Invitae Variant Classification Sherloc (09022015). Collection method: clinical testing. Allele origin: germline. Not counted in ClinVar's aggregate classification.